The following is an entry in ClinVar:

ClinVar aggregate classification (germline): Uncertain significance (1 of 4 stars; one submission).

Allele frequency attached by ClinVar (database versions not stated): TOPMed below 0.00001.
gnomAD v4.1: 4 of 1,613,712 alleles (0.00025%); highest among the groups gnomAD compares: Admixed American, 0.0017%; no homozygotes.

Submission:

Labcorp Genetics (formerly Invitae), Labcorp
Classification: Uncertain significance. Last evaluated: 2023-03-09. Review status: criteria provided, single submitter. Criteria: Invitae Variant Classification Sherloc (09022015). Collection method: clinical testing. Allele origin: germline.
Comment: In summary, the available evidence is currently insufficient to determine the role of this variant in disease. Therefore, it has been classified as a Variant of Uncertain Significance. Advanced modeling of protein sequence and biophysical properties (such as structural, functional, and spatial information, amino acid conservation, physicochemical variation, residue mobility, and thermodynamic stability) performed at Invitae indicates that this missense variant is not expected to disrupt BRD4 protein function. This variant has not been reported in the literature in individuals affected with BRD4-related conditions. This variant is present in population databases (no rsID available, gnomAD 0.0009%). This sequence change replaces glutamic acid, which is acidic and polar, with lysine, which is basic and polar, at codon 718 of the BRD4 protein (p.Glu718Lys).

NM_001379291.1(BRD4):c.2152G>A (p.Glu718Lys)

Gene: BRD4 (bromodomain containing 4; minus strand). Cytogenetic location: 19p13.12.
Variant type: single nucleotide variant.
Coding change: c.2152G>A on transcript NM_001379291.1 (MANE Select); coding-DNA position 2152, G replaced by A.
Protein change: p.Glu718Lys; replaces glutamic acid 718 with lysine.
Molecular consequence: missense variant.
Genome position (GRCh38, 1-based): chr19:15,254,158, C>T on the plus strand (G>A on the coding strand, the complement: BRD4 is on the minus strand). VCF-style: chr19-15254158-C-T. GRCh37 (hg19) VCF-style: chr19-15364969-C-T.
Other names: c.2152G>A, p.Glu718Lys (NM_001330384.2, NM_001379292.1, NM_014299.3 and 1 more transcripts); short protein forms E718K.
Identifiers: ClinVar variation 2875667 (VCV002875667.3), dbSNP rs1394299823, ClinGen allele CA404516306.